The following is an entry in ClinVar:

ClinVar aggregate classification (germline): Uncertain significance. Review status: criteria provided, multiple submitters, no conflicts (2 of 4 stars). 2 submissions from 2 submitters: Uncertain significance (2). Last evaluated 2023-05-25.

Conditions:
Hereditary cancer-predisposing syndrome. Also called: Tumor predisposition; Neoplastic Syndromes, Hereditary; Hereditary Cancer Syndrome; Hereditary neoplastic syndrome. Identifiers: Orphanet 140162, MedGen C0027672, MeSH D009386, MONDO:0015356.

Allele frequency attached by ClinVar (database versions not stated): gnomAD exomes below 0.00001.
gnomAD v4.1: 2 of 1,614,168 alleles (0.00012%); highest among the groups gnomAD compares: Non-Finnish European, 0.00017%; no homozygotes.

Submissions (2):

Labcorp Genetics (formerly Invitae), Labcorp
Classification: Uncertain significance. Last evaluated: 2023-05-25. Review status: criteria provided, single submitter. Criteria: Invitae Variant Classification Sherloc (09022015). Collection method: clinical testing. Allele origin: germline.
Comment: Advanced modeling of protein sequence and biophysical properties (such as structural, functional, and spatial information, amino acid conservation, physicochemical variation, residue mobility, and thermodynamic stability) performed at Invitae indicates that this missense variant is not expected to disrupt SMARCB1 protein function. This sequence change replaces isoleucine, which is neutral and non-polar, with threonine, which is neutral and polar, at codon 338 of the SMARCB1 protein (p.Ile338Thr). This variant is not present in population databases (gnomAD no frequency). This variant has not been reported in the literature in individuals affected with SMARCB1-related conditions. ClinVar contains an entry for this variant (Variation ID: 1380690). In summary, the available evidence is currently insufficient to determine the role of this variant in disease. Therefore, it has been classified as a Variant of Uncertain Significance.

Ambry Genetics
Classification: Uncertain significance for Hereditary cancer-predisposing syndrome. Last evaluated: 2023-03-09. Review status: criteria provided, single submitter. Criteria: Ambry Variant Classification Scheme 2023. Collection method: clinical testing. Allele origin: germline.
Comment: The p.I338T variant (also known as c.1013T>C), located in coding exon 8 of the SMARCB1 gene, results from a T to C substitution at nucleotide position 1013. The isoleucine at codon 338 is replaced by threonine, an amino acid with similar properties. This amino acid position is highly conserved in available vertebrate species. In addition, this alteration is predicted to be deleterious by in silico analysis. Missense and in-frame variants in SMARCB1 are known to cause neurodevelopmental disorders; however, such associations with rhabdoid tumor predisposition syndrome are exceedingly rare (Kosho T et al. Am J Med Genet C Semin Med Genet. 2014 Sep;166C(3):262-75; Eaton KW et al. Pediatr Blood Cancer. 2011 Jan;56(1):7-15). Since supporting evidence is limited at this time, the clinical significance of this alteration remains unclear.

NM_003073.5(SMARCB1):c.1013T>C (p.Ile338Thr)

Gene: SMARCB1 (SWI/SNF related BAF chromatin remodeling complex subunit B1; plus strand). Cytogenetic location: 22q11.23.
Variant type: single nucleotide variant.
Coding change: c.1013T>C on transcript NM_003073.5 (MANE Select); coding-DNA position 1013, T replaced by C.
Protein change: p.Ile338Thr; replaces isoleucine 338 with threonine.
Molecular consequence: missense variant.
Genome position (GRCh38, 1-based): chr22:23,833,598, T>C. VCF-style: chr22-23833598-T-C. GRCh37 (hg19) VCF-style: chr22-24175785-T-C.
Other names: c.986T>C, p.Ile329Thr (NM_001007468.3); c.1040T>C, p.Ile347Thr (NM_001317946.2); c.1067T>C, p.Ile356Thr (NM_001362877.2); c.1013T>C (NM_003073.3); short protein forms I347T, I356T, I329T, I338T.
Identifiers: ClinVar variation 1380690 (VCV001380690.7), dbSNP rs2146041839, ClinGen allele CA410913032.